The following is an entry in ClinVar:

NM_004656.4(BAP1):c.247G>A (p.Ala83Thr)

Gene: BAP1 (BRCA1 associated deubiquitinase 1; minus strand). Cytogenetic location: 3p21.1.
Variant type: single nucleotide variant.
Coding change: c.247G>A on transcript NM_004656.4 (MANE Select); coding-DNA position 247, G replaced by A.
Protein change: p.Ala83Thr; replaces alanine 83 with threonine.
Molecular consequence: missense variant.
Genome position (GRCh38, 1-based): chr3:52,408,482, C>T on the plus strand (G>A on the coding strand, the complement: BAP1 is on the minus strand). VCF-style: chr3-52408482-C-T. GRCh37 (hg19) VCF-style: chr3-52442498-C-T.
Other names: c.247G>A, p.Ala83Thr (NM_001410772.1); short protein forms A83T.
Identifiers: ClinVar variation 3367269 (VCV003367269.1).

ClinVar aggregate classification (germline): Uncertain significance (1 of 4 stars; one submission).

Submission:

GeneDx
Classification: Uncertain significance. Last evaluated: 2023-12-28. Review status: criteria provided, single submitter. Criteria: GeneDx Variant Classification Process June 2021. Collection method: clinical testing. Allele origin: germline. Affected: yes.
Comment: Not observed at significant frequency in large population cohorts (gnomAD); In silico analysis supports that this missense variant has a deleterious effect on protein structure/function; Has not been previously published as pathogenic or benign to our knowledge